The following is an entry in ClinVar:

NM_000021.4(PSEN1):c.571G>A (p.Val191Ile)

Gene: PSEN1 (presenilin 1; plus strand). Cytogenetic location: 14q24.2.
Variant type: single nucleotide variant.
Coding change: c.571G>A on transcript NM_000021.4 (MANE Select); coding-DNA position 571, G replaced by A.
Protein change: p.Val191Ile; replaces valine 191 with isoleucine.
Molecular consequence: missense variant.
Genome position (GRCh38, 1-based): chr14:73,192,666, G>A. VCF-style: chr14-73192666-G-A. GRCh37 (hg19) VCF-style: chr14-73659374-G-A.
Other names: c.559G>A, p.Val187Ile (NM_007318.3); short protein forms V187I, V191I.
Identifiers: ClinVar variation 1365955 (VCV001365955.8), dbSNP rs750585566, ClinGen allele CA7256786.
Genomic context (GRCh38, chr14:73,192,666, plus strand): 5'-ATTGTACATCTTTTAAAATCTGTGTAATTTTTTTTCAGGGAAGTGTTTAAAACCTATAAC[G>A]TTGCTGTGGACTACATTACTGTTGCACTCCTGATCTGGAATTTTGGTGTGGTGGGAATGA-3'
Protein context (NP_000012.1, residues 181-201): YLGEVFKTYN[Val191Ile]AVDYITVALL

ClinVar aggregate classification (germline): Uncertain significance (1 of 4 stars; one submission).

Conditions:
Alzheimer disease 3 (AD3). Also called: ALZHEIMER DISEASE, FAMILIAL, 3. Identifiers: Orphanet 1020, MedGen C1843013, MONDO:0011913, OMIM 607822.
Frontotemporal dementia (FTD1). Also called: FRONTOTEMPORAL DEMENTIA WITH PARKINSONISM; FRONTOTEMPORAL LOBE DEMENTIA; MULTIPLE SYSTEM TAUOPATHY WITH PRESENILE DEMENTIA; FRONTOTEMPORAL LOBAR DEGENERATION WITH TAU INCLUSIONS; FTLD WITH TAU INCLUSIONS; WILHELMSEN-LYNCH DISEASE. Identifiers: Orphanet 282, MedGen C0338451, MONDO:0017276, OMIM 600274, HP:0002145.
Acne inversa, familial, 3 (ACNINV3). Identifiers: MedGen C3151038, MONDO:0013398, OMIM 613737.
Pick disease. Also called: DEMENTIA WITH LOBAR ATROPHY AND NEURONAL CYTOPLASMIC INCLUSIONS; Pick's disease; Pick Disease of the Brain; LOBAR ATROPHY OF BRAIN; PICK DISEASE OF BRAIN. Identifiers: Orphanet 282, MedGen C0236642, MONDO:0008243, OMIM 172700.

Allele frequency attached by ClinVar (database versions not stated): ExAC 0.00001; gnomAD 0.00001; gnomAD exomes 0.00001; TOPMed 0.00001.

Submission:

Labcorp Genetics (formerly Invitae), Labcorp
Classification: Uncertain significance for Alzheimer disease 3; Pick disease; Acne inversa, familial, 3; Frontotemporal dementia. Last evaluated: 2021-06-15. Review status: criteria provided, single submitter. Criteria: Invitae Variant Classification Sherloc (09022015). Collection method: clinical testing. Allele origin: germline.
Comment: This sequence change replaces valine with isoleucine at codon 191 of the PSEN1 protein (p.Val191Ile). The valine residue is highly conserved and there is a small physicochemical difference between valine and isoleucine. The frequency data for this variant in the population databases is considered unreliable, as metrics indicate poor data quality at this position in the ExAC database. This variant has not been reported in the literature in individuals with PSEN1-related conditions. Advanced modeling of protein sequence and biophysical properties (such as structural, functional, and spatial information, amino acid conservation, physicochemical variation, residue mobility, and thermodynamic stability) performed at Invitae indicates that this missense variant is not expected to disrupt PSEN1 protein function. In summary, the available evidence is currently insufficient to determine the role of this variant in disease. Therefore, it has been classified as a Variant of Uncertain Significance.